The following is an entry in ClinVar:

NM_177438.3(DICER1):c.257G>T (p.Arg86Met)

Gene: DICER1 (dicer 1, ribonuclease III; minus strand). Cytogenetic location: 14q32.13.
Variant type: single nucleotide variant.
Coding change: c.257G>T on transcript NM_177438.3 (MANE Select); coding-DNA position 257, G replaced by T.
Protein change: p.Arg86Met; replaces arginine 86 with methionine.
Molecular consequence: missense variant.
Genome position (GRCh38, 1-based): chr14:95,132,565, C>A on the plus strand (G>T on the coding strand, the complement: DICER1 is on the minus strand). VCF-style: chr14-95132565-C-A. GRCh37 (hg19) VCF-style: chr14-95598902-C-A.
Other names: c.257G>T, p.Arg86Met (NM_001271282.3, NM_030621.4, NM_001291628.2 and 1 more transcripts); short protein forms R86M.
Identifiers: ClinVar variation 821516 (VCV000821516.4), dbSNP rs1595466060, ClinGen allele CA390889791.

ClinVar aggregate classification (germline): Uncertain significance (1 of 4 stars; one submission).

Conditions:
Hereditary cancer-predisposing syndrome. Also called: Tumor predisposition; Hereditary Cancer Syndrome; Neoplastic Syndromes, Hereditary; Hereditary neoplastic syndrome. Identifiers: Orphanet 140162, MedGen C0027672, MeSH D009386, MONDO:0015356.

Submission:

Ambry Genetics
Classification: Uncertain significance for Hereditary cancer-predisposing syndrome. Last evaluated: 2019-06-07. Review status: criteria provided, single submitter. Criteria: Ambry Variant Classification Scheme 2023. Collection method: clinical testing. Allele origin: germline.
Comment: The p.R86M variant (also known as c.257G>T), located in coding exon 2 of the DICER1 gene, results from a G to T substitution at nucleotide position 257. The arginine at codon 86 is replaced by methionine, an amino acid with similar properties. This amino acid position is highly conserved in available vertebrate species. In addition, the in silico prediction for this alteration is inconclusive. Since supporting evidence is limited at this time, the clinical significance of this alteration remains unclear.